The following is an entry in ClinVar:

NM_016219.5(MAN1B1):c.1446-5C>T

Gene: MAN1B1 (mannosidase alpha class 1B member 1; plus strand). Cytogenetic location: 9q34.3.
Variant type: single nucleotide variant.
Coding change: c.1446-5C>T on transcript NM_016219.5 (MANE Select); 5 bases into the intron before coding-DNA position 1446, C replaced by T.
Molecular consequence: intron variant.
Genome position (GRCh38, 1-based): chr9:137,106,684, C>T. VCF-style: chr9-137106684-C-T. GRCh37 (hg19) VCF-style: chr9-140001136-C-T.
Identifiers: ClinVar variation 2288637 (VCV002288637.2), dbSNP rs1564312431, ClinGen allele CA1130083255.

ClinVar aggregate classification (germline): Uncertain significance (1 of 4 stars; one submission).

Conditions:
Inborn genetic diseases. Identifiers: MedGen C0950123, MeSH D030342.

Allele frequency attached by ClinVar (database versions not stated): gnomAD exomes below 0.00001; gnomAD 0.00001; TOPMed 0.00002.
gnomAD v4.1: 7 of 1,613,266 alleles (0.00043%); highest among the groups gnomAD compares: African/African-American, 0.0013%; no homozygotes.

Submission:

Ambry Genetics
Classification: Uncertain significance for Inborn genetic diseases. Last evaluated: 2022-07-06. Review status: criteria provided, single submitter. Criteria: Ambry Variant Classification Scheme 2023. Collection method: clinical testing. Allele origin: germline.
Comment: The c.1446-5C>T intronic alteration consists of a C to T substitution 5 nucleotides before coding exon 10 in the MAN1B1 gene. Based on insufficient or conflicting evidence, the clinical significance of this alteration remains unclear.